The following is an entry in ClinVar:

NM_000719.7(CACNA1C):c.3789C>A (p.Thr1263=)

Gene: CACNA1C (calcium voltage-gated channel subunit alpha1 C; plus strand). Cytogenetic location: 12p13.33.
Variant type: single nucleotide variant.
Coding change: c.3789C>A on transcript NM_000719.7 (MANE Select); coding-DNA position 3789, C replaced by A.
Protein change: p.Thr1263=; no amino-acid change (threonine 1263 retained).
Molecular consequence: synonymous variant.
Genome position (GRCh38, 1-based): chr12:2,611,974, C>A. VCF-style: chr12-2611974-C-A. GRCh37 (hg19) VCF-style: chr12-2721140-C-A.
Other names: c.3849C>A, p.Thr1283= (NM_001129827.2, NM_001129832.2, NM_199460.4); c.3789C>A, p.Thr1263= (NM_001129829.2, NM_001129830.3, NM_001129831.2 and 15 more transcripts); c.3780C>A, p.Thr1260= (NM_001129844.2).
Identifiers: ClinVar variation 506292 (VCV000506292.10), dbSNP rs765393806, ClinGen allele CA477904900.
Genomic context (GRCh38, chr12:2,611,974, plus strand): 5'-GAGCTGCCTGTTCAAAATCGCCATGAACATCCTCAACATGCTCTTCACTGGCCTCTTCAC[C>A]GTGGAGATGATCCTGAAGCTCATTGCCTTCAAACCCAAGGTAGGCCTCTGAGAAAGACCT-3'
Protein context (NP_000710.5, residues 1253-1273): ILNMLFTGLF[Thr1263=]VEMILKLIAF

ClinVar aggregate classification (germline): Likely benign. Review status: criteria provided, multiple submitters, no conflicts (2 of 4 stars). 2 submissions from 2 submitters: Likely benign (2). Last evaluated 2026-01-26.

Conditions:
Long QT syndrome (LQTS). Identifiers: MedGen C0023976, MeSH D008133, MONDO:0002442. Disease mechanism: loss of function. Inheritance: Various modes of inheritance.

Allele frequency attached by ClinVar (database versions not stated): gnomAD 0.00002.
gnomAD v4.1: 6 of 1,612,922 alleles (0.00037%); highest among the groups gnomAD compares: Admixed American, 0.0067%; no homozygotes.

Submissions (2):

Labcorp Genetics (formerly Invitae), Labcorp
Classification: Likely benign for Long QT syndrome. Last evaluated: 2026-01-26. Review status: criteria provided, single submitter. Criteria: Invitae Variant Classification Sherloc (09022015). Collection method: clinical testing. Allele origin: germline.

GeneDx
Classification: Likely benign. Last evaluated: 2017-06-16. Review status: criteria provided, single submitter. Criteria: GeneDx Variant Classification (06012015). Collection method: clinical testing. Allele origin: germline. Affected: yes.
Comment: This variant is considered likely benign or benign based on one or more of the following criteria: it is a conservative change, it occurs at a poorly conserved position in the protein, it is predicted to be benign by multiple in silico algorithms, and/or has population frequency not consistent with disease.